The following is an entry in ClinVar:

NM_052947.4(ALPK2):c.3264G>C (p.Gln1088His)

Gene: ALPK2 (alpha kinase 2; minus strand). Cytogenetic location: 18q21.31.
Variant type: single nucleotide variant.
Coding change: c.3264G>C on transcript NM_052947.4 (MANE Select); coding-DNA position 3264, G replaced by C.
Protein change: p.Gln1088His; replaces glutamine 1088 with histidine.
Molecular consequence: missense variant.
Genome position (GRCh38, 1-based): chr18:58,536,923, C>G on the plus strand (G>C on the coding strand, the complement: ALPK2 is on the minus strand). VCF-style: chr18-58536923-C-G. GRCh37 (hg19) VCF-style: chr18-56204155-C-G.
Other names: short protein forms Q1088H.
Identifiers: ClinVar variation 2564041 (VCV002564041.2), dbSNP rs2051652532, ClinGen allele CA402568759.

ClinVar aggregate classification (germline): Uncertain significance (1 of 4 stars; one submission).

gnomAD v4.1: 1 of 1,614,218 alleles (0.000062%); no homozygotes.

Submission:

Ambry Genetics
Classification: Uncertain significance. Last evaluated: 2023-03-19. Review status: criteria provided, single submitter. Criteria: Ambry Variant Classification Scheme 2023. Collection method: clinical testing. Allele origin: germline.
Comment: The p.Q1088H variant (also known as c.3264G>C), located in coding exon 4 of the ALPK2 gene, results from a G to C substitution at nucleotide position 3264. The glutamine at codon 1088 is replaced by histidine, an amino acid with highly similar properties. This amino acid position is conserved. In addition, this alteration is predicted to be tolerated by in silico analysis. Since supporting evidence is limited at this time, the clinical significance of this alteration remains unclear.